The following is an entry in ClinVar:

NM_002335.4(LRP5):c.1705G>A (p.Glu569Lys)

Gene: LRP5 (LDL receptor related protein 5; plus strand). Cytogenetic location: 11q13.2.
Variant type: single nucleotide variant.
Coding change: c.1705G>A on transcript NM_002335.4 (MANE Select); coding-DNA position 1705, G replaced by A.
Protein change: p.Glu569Lys; replaces glutamic acid 569 with lysine.
Molecular consequence: missense variant. On other transcripts: 5 prime UTR variant (1).
Genome position (GRCh38, 1-based): chr11:68,403,603, G>A. VCF-style: chr11-68403603-G-A. GRCh37 (hg19) VCF-style: chr11-68171071-G-A.
Other names: c.-233G>A (NM_001291902.2); short protein forms E569K.
Identifiers: ClinVar variation 3600200 (VCV003600200.3).

ClinVar aggregate classification (germline): Uncertain significance. Review status: criteria provided, multiple submitters, no conflicts (2 of 4 stars). 3 submissions from 3 submitters: Uncertain significance (3). Last evaluated 2025-08-09.

Conditions:
Polycystic liver disease 4 with or without kidney cysts. Identifiers: MedGen C4693479, MONDO:0044327, OMIM 617875.
Exudative vitreoretinopathy 4 (EVR4). Identifiers: Orphanet 891, MedGen C1866176, MONDO:0011151, OMIM 601813.
Worth disease. Also called: Autosomal dominant osteosclerosis, Worth type; ENDOSTEAL HYPEROSTOSIS, AUTOSOMAL DOMINANT; OSTEOSCLEROSIS, AUTOSOMAL DOMINANT. Identifiers: Orphanet 2790, MedGen C0432273, MONDO:0007764, OMIM 144750.
Autosomal dominant osteopetrosis 1 (OPTA1). Also called: OSTEOPETROSIS, AUTOSOMAL DOMINANT, TYPE I. Identifiers: Orphanet 2783, MedGen C1843330, MONDO:0011877, OMIM 607634.
Osteoporosis with pseudoglioma (OPPG). Also called: osteoporosis-pseudoglioma syndrome. Identifiers: Orphanet 2788, MedGen C0432252, MONDO:0009820, OMIM 259770.
Exudative vitreoretinopathy 1 (EVR1). Also called: CRISWICK-SCHEPENS SYNDROME; FEVR, AUTOSOMAL DOMINANT; Familial exudative vitreoretinopathy, autosomal dominant. Identifiers: Orphanet 891, Orphanet 90050, MedGen C1851402, MONDO:0007589, OMIM 133780.
Bone mineral density quantitative trait locus 1 (BMND1). Identifiers: MedGen C1866079, OMIM 601884.

gnomAD v4.1: 1 of 1,614,184 alleles (0.000062%); highest among the groups gnomAD compares: East Asian, 0.0022%; no homozygotes.

Submissions (3):

Labcorp Genetics (formerly Invitae), Labcorp
Classification: Uncertain significance. Last evaluated: 2025-08-09. Review status: criteria provided, single submitter. Criteria: Invitae Variant Classification Sherloc (09022015). Collection method: clinical testing. Allele origin: germline.
Comment: This sequence change replaces glutamic acid, which is acidic and polar, with lysine, which is basic and polar, at codon 569 of the LRP5 protein (p.Glu569Lys). This variant is present in population databases (rs768268948, gnomAD 0.006%). This variant has not been reported in the literature in individuals affected with LRP5-related conditions. ClinVar contains an entry for this variant (Variation ID: 3600200). Invitae Evidence Modeling of protein sequence and biophysical properties (such as structural, functional, and spatial information, amino acid conservation, physicochemical variation, residue mobility, and thermodynamic stability) has been performed for this missense variant. However, the output from this modeling did not meet the statistical confidence thresholds required to predict the impact of this variant on LRP5 protein function. In summary, the available evidence is currently insufficient to determine the role of this variant in disease. Therefore, it has been classified as a Variant of Uncertain Significance.

Fulgent Genetics
Classification: Uncertain significance for Worth disease; Osteoporosis with pseudoglioma; Exudative vitreoretinopathy 4; Bone mineral density quantitative trait locus 1; Autosomal dominant osteopetrosis 1; Polycystic liver disease 4 with or without kidney cysts. Last evaluated: 2024-06-17. Review status: criteria provided, single submitter. Criteria: ACMG Guidelines, 2015. Collection method: clinical testing. Allele origin: germline.

Department of Pathology and Laboratory Medicine, Sinai Health System
Classification: Uncertain significance for Exudative vitreoretinopathy 1; Worth disease; Osteoporosis with pseudoglioma; Exudative vitreoretinopathy 4; Autosomal dominant osteopetrosis 1; Polycystic liver disease 4 with or without kidney cysts. Last evaluated: 2023-05-17. Review status: criteria provided, single submitter. Criteria: ACMG Guidelines, 2015. Collection method: research. Allele origin: germline.